The following is an entry in ClinVar:

NM_000132.4(F8):c.1941_1944del (p.Leu650fs)

Gene: F8 (coagulation factor VIII; minus strand). Cytogenetic location: Xq28.
Variant type: Deletion.
Coding change: c.1941_1944del on transcript NM_000132.4 (MANE Select); coding-DNA positions 1941 to 1944, 4 bases deleted (AGTT; older notation c.1941_1944delAGTT).
Protein change: p.Leu650fs; shifts the reading frame from leucine 650.
Molecular consequence: frameshift variant.
Genome position (GRCh38, 1-based): chrX:154,947,867-154,947,870, AACT deleted on the plus strand (AGTT on the coding strand, the reverse complement: F8 is on the minus strand). VCF-style (leftmost placement, unchanged base first): chrX-154947866-AAACT-A. GRCh37 (hg19) VCF-style: chrX-154176141-AAACT-A.
Other names: c.1941_1944delAGTT (NM_000132.4); short protein forms L650fs.
Identifiers: ClinVar variation 1330426 (VCV001330426.8), dbSNP rs2124082382, ClinGen allele CA2573055183.

ClinVar aggregate classification (germline): Pathogenic. Review status: criteria provided, multiple submitters, no conflicts (2 of 4 stars). 2 submissions from 2 submitters: Pathogenic (2). Last evaluated 2025-10-23.

Conditions:
Hereditary factor VIII deficiency disease (HEMA). Also called: HEMOPHILIA, CLASSIC; AUTOSOMAL HEMOPHILIA A; Hemophilia A; Hemophilia A, congenital; HEM A; Factor 8 deficiency, congenital. Identifiers: Orphanet 98878, MedGen C0019069, MONDO:0010602, OMIM 306700.

Submissions (2):

Women's Health and Genetics/Laboratory Corporation of America, LabCorp
Classification: Pathogenic for Hereditary factor VIII deficiency disease. Last evaluated: 2025-10-23. Review status: criteria provided, single submitter. Criteria: LabCorp Variant Classification Summary - May 2015. Collection method: clinical testing. Allele origin: germline.
Comment: Variant summary: F8 c.1941_1944delAGTT (p.Leu650MetfsX9), also reported as delAGTT in exon 13, results in a premature termination codon, predicted to cause a truncation of the encoded protein or absence of the protein due to nonsense mediated decay, which are commonly known mechanisms for disease. The variant was absent in 183349 control chromosomes. c.1941_1944delAGTT has been observed in at least 1 individual(s) affected with Factor VIII Deficiency (Hemophilia A) (example, Becker_1996). These report(s) do not provide unequivocal conclusions about association of the variant with Factor VIII Deficiency (Hemophilia A). To our knowledge, no experimental evidence demonstrating an impact on protein function has been reported. The following publication has been ascertained in the context of this evaluation (PMID: 8644728). ClinVar contains an entry for this variant (Variation ID: 1330426). Based on the evidence outlined above, the variant was classified as pathogenic.

ARUP Laboratories, Molecular Genetics and Genomics, ARUP Laboratories
Classification: Pathogenic for Hereditary factor VIII deficiency disease. Last evaluated: 2020-11-03. Review status: criteria provided, single submitter. Criteria: ARUP Molecular Germline Variant Investigation Process 2021. Collection method: clinical testing. Allele origin: germline.
Comment: The F8 c.1941_1944delAGTT; p.Leu650MetfsTer9 variant, is reported in the literature in an individual with severe hemophilia A (Becker 1996). This variant is absent from general population databases (Exome Variant Server, Genome Aggregation Database), indicating it is not a common polymorphism. This variant causes a frameshift by deleting four nucleotides, so it is predicted to result in a truncated protein or mRNA subject to nonsense-mediated decay. Based on available information, this variant is considered to be pathogenic. REFERENCES Becker J et al. Characterization of the factor VIII defect in 147 patients with sporadic hemophilia A: family studies indicate a mutation type-dependent sex ratio of mutation frequencies. Am J Hum Genet. 1996 Apr;58(4):657-70.

Literature cited by the submitters: PubMed 8644728 (cited by Women's Health and Genetics/Laboratory Corporation of America, LabCorp).